The following is an entry in ClinVar:

NM_004655.4(AXIN2):c.1798C>G (p.Pro600Ala)

Gene: AXIN2 (axin 2; minus strand). Cytogenetic location: 17q24.1.
Variant type: single nucleotide variant.
Coding change: c.1798C>G on transcript NM_004655.4 (MANE Select); coding-DNA position 1798, C replaced by G.
Protein change: p.Pro600Ala; replaces proline 600 with alanine.
Molecular consequence: missense variant. On other transcripts: intron variant (1).
Genome position (GRCh38, 1-based): chr17:65,536,978, G>C on the plus strand (C>G on the coding strand, the complement: AXIN2 is on the minus strand). VCF-style: chr17-65536978-G-C. GRCh37 (hg19) VCF-style: chr17-63533096-G-C.
Other names: c.1712+346C>G (NM_001363813.1); short protein forms P600A.
Identifiers: ClinVar variation 1780298 (VCV001780298.2), dbSNP rs1555577425, ClinGen allele CA400676599.

ClinVar aggregate classification (germline): Uncertain significance (1 of 4 stars; one submission).

Conditions:
Hereditary cancer-predisposing syndrome. Also called: Neoplastic Syndromes, Hereditary; Tumor predisposition; Hereditary Cancer Syndrome; Hereditary neoplastic syndrome. Identifiers: Orphanet 140162, MedGen C0027672, MeSH D009386, MONDO:0015356.

Submission:

Ambry Genetics
Classification: Uncertain significance for Hereditary cancer-predisposing syndrome. Last evaluated: 2022-07-06. Review status: criteria provided, single submitter. Criteria: Ambry Variant Classification Scheme 2023. Collection method: clinical testing. Allele origin: germline.
Comment: The p.P600A variant (also known as c.1798C>G), located in coding exon 6 of the AXIN2 gene, results from a C to G substitution at nucleotide position 1798. The proline at codon 600 is replaced by alanine, an amino acid with highly similar properties. This amino acid position is conserved. In addition, this alteration is predicted to be tolerated by in silico analysis. Since supporting evidence is limited at this time, the clinical significance of this alteration remains unclear.